The following is an entry in ClinVar:

NM_024675.4(PALB2):c.2186_2187del (p.Pro729fs)

Gene: PALB2 (partner and localizer of BRCA2; minus strand). Cytogenetic location: 16p12.2.
Variant type: Deletion.
Coding change: c.2186_2187del on transcript NM_024675.4 (MANE Select); coding-DNA positions 2186 to 2187, 2 bases deleted (CC; older notation c.2186_2187delCC).
Protein change: p.Pro729fs; shifts the reading frame from proline 729.
Molecular consequence: frameshift variant.
Genome position (GRCh38, 1-based): chr16:23,629,967-23,629,968, GG deleted on the plus strand (CC on the coding strand, the reverse complement: PALB2 is on the minus strand); deleting any 2 consecutive bases within chr16:23,629,967-23,629,970 gives the same sequence; the c. name uses the placement nearest the transcript's 3' end. VCF-style (leftmost placement, unchanged base first): chr16-23629966-TGG-T. GRCh37 (hg19) VCF-style: chr16-23641287-TGG-T.
Other names: c.2186_2187delCC (NM_024675.3); short protein forms P729fs.
Identifiers: ClinVar variation 570485 (VCV000570485.7), dbSNP rs1567217908, ClinGen allele CA891844517.

ClinVar aggregate classification (germline): Pathogenic (1 of 4 stars; one submission).

Conditions:
Familial cancer of breast. Also called: hereditary breast carcinoma; BREAST CANCER, FAMILIAL; Hereditary breast cancer. Identifiers: Orphanet 227535, MedGen C0346153, MONDO:0016419, OMIM 114480. Disease mechanism: loss of function.

Submission:

Labcorp Genetics (formerly Invitae), Labcorp
Classification: Pathogenic for Familial cancer of breast. Last evaluated: 2024-04-16. Review status: criteria provided, single submitter. Criteria: Invitae Variant Classification Sherloc (09022015). Collection method: clinical testing. Allele origin: germline.
Comment: This sequence change creates a premature translational stop signal (p.Pro729Hisfs*15) in the PALB2 gene. It is expected to result in an absent or disrupted protein product. Loss-of-function variants in PALB2 are known to be pathogenic (PMID: 17200668, 17200671, 17200672, 24136930, 25099575). This variant is not present in population databases (gnomAD no frequency). This variant has not been reported in the literature in individuals affected with PALB2-related conditions. ClinVar contains an entry for this variant (Variation ID: 570485). For these reasons, this variant has been classified as Pathogenic.

Literature cited by the submitters: PubMed 17200668; PubMed 17200671; PubMed 17200672; PubMed 24136930; PubMed 25099575.